The following is an entry in ClinVar:

NM_002471.4(MYH6):c.745A>G (p.Ile249Val)

Gene: MYH6 (myosin heavy chain 6; minus strand). Cytogenetic location: 14q11.2.
Variant type: single nucleotide variant.
Coding change: c.745A>G on transcript NM_002471.4 (MANE Select); coding-DNA position 745, A replaced by G.
Protein change: p.Ile249Val; replaces isoleucine 249 with valine.
Molecular consequence: missense variant.
Genome position (GRCh38, 1-based): chr14:23,403,769, T>C on the plus strand (A>G on the coding strand, the complement: MYH6 is on the minus strand). VCF-style: chr14-23403769-T-C. GRCh37 (hg19) VCF-style: chr14-23872978-T-C.
Other names: short protein forms I249V.
Identifiers: ClinVar variation 1759006 (VCV001759006.3), dbSNP rs751086645, ClinGen allele CA7116038.

ClinVar aggregate classification (germline): Uncertain significance. Review status: criteria provided, multiple submitters, no conflicts (2 of 4 stars). 2 submissions from 2 submitters: Uncertain significance (2). Last evaluated 2025-05-07.

Conditions:
Cardiovascular phenotype. Identifiers: MedGen CN230736.

Allele frequency attached by ClinVar (database versions not stated): ExAC 0.00001.
gnomAD v4.1: 16 of 1,611,902 alleles (0.00099%); highest among the groups gnomAD compares: Middle Eastern, 0.033%; no homozygotes.

Submissions (2):

GeneDx
Classification: Uncertain significance. Last evaluated: 2025-05-07. Review status: criteria provided, single submitter. Criteria: GeneDx Variant Classification Process June 2021. Collection method: clinical testing. Allele origin: germline. Affected: yes.
Comment: Not observed at significant frequency in large population cohorts (gnomAD); In silico analysis suggests that this missense variant does not alter protein structure/function; Has not been previously published as pathogenic or benign to our knowledge

Ambry Genetics
Classification: Uncertain significance for Cardiovascular phenotype. Last evaluated: 2023-12-22. Review status: criteria provided, single submitter. Criteria: Ambry Variant Classification Scheme 2023. Collection method: clinical testing. Allele origin: germline.
Comment: The p.I249V variant (also known as c.745A>G), located in coding exon 7 of the MYH6 gene, results from an A to G substitution at nucleotide position 745. The isoleucine at codon 249 is replaced by valine, an amino acid with highly similar properties. This amino acid position is conserved. In addition, the in silico prediction for this alteration is inconclusive. Since supporting evidence is limited at this time, the clinical significance of this alteration remains unclear.